The following is an entry in ClinVar:

ClinVar aggregate classification (germline): Uncertain significance (1 of 4 stars; one submission).

gnomAD v4.1: 2 of 1,536,126 alleles (0.00013%); highest among the groups gnomAD compares: Non-Finnish European, 0.00017%; no homozygotes.

Submission:

GeneDx
Classification: Uncertain significance. Last evaluated: 2025-03-28. Review status: criteria provided, single submitter. Criteria: GeneDx Variant Classification Process June 2021. Collection method: clinical testing. Allele origin: germline. Affected: yes.
Comment: Not observed at significant frequency in large population cohorts (gnomAD); In silico analysis supports that this missense variant has a deleterious effect on protein structure/function; Has not been previously published as pathogenic or benign to our knowledge

NM_057175.5(NAA15):c.151A>G (p.Met51Val)

Gene: NAA15 (N-alpha-acetyltransferase 15, NatA auxiliary subunit; plus strand). Cytogenetic location: 4q31.1.
Variant type: single nucleotide variant.
Coding change: c.151A>G on transcript NM_057175.5 (MANE Select); coding-DNA position 151, A replaced by G.
Protein change: p.Met51Val; replaces methionine 51 with valine.
Molecular consequence: missense variant.
Genome position (GRCh38, 1-based): chr4:139,336,859, A>G. VCF-style: chr4-139336859-A-G. GRCh37 (hg19) VCF-style: chr4-140258013-A-G.
Other names: c.151A>G, p.Met51Val (NM_001410842.1); short protein forms M51V.
Identifiers: ClinVar variation 4087849 (VCV004087849.1).